The following is an entry in ClinVar:

ClinVar aggregate classification (germline): Uncertain significance (1 of 4 stars; one submission).

Allele frequency attached by ClinVar (database versions not stated): gnomAD 0.00001; TOPMed below 0.00001.
gnomAD v4.1: 8 of 1,614,000 alleles (0.0005%); highest among the groups gnomAD compares: Non-Finnish European, 0.00068%; no homozygotes.

Submission:

Labcorp Genetics (formerly Invitae), Labcorp
Classification: Uncertain significance. Last evaluated: 2025-03-18. Review status: criteria provided, single submitter. Criteria: Invitae Variant Classification Sherloc (09022015). Collection method: clinical testing. Allele origin: germline.
Comment: This sequence change replaces aspartic acid, which is acidic and polar, with glycine, which is neutral and non-polar, at codon 1072 of the RP1 protein (p.Asp1072Gly). This variant is not present in population databases (gnomAD no frequency). This missense change has been observed in individual(s) with retinitis pigmentosa (PMID: 11527933). ClinVar contains an entry for this variant (Variation ID: 3007888). An algorithm developed to predict the effect of missense changes on protein structure and function outputs the following: PolyPhen-2: "Benign". The glycine amino acid residue is found in multiple mammalian species, which suggests that this missense change does not adversely affect protein function. In summary, the available evidence is currently insufficient to determine the role of this variant in disease. Therefore, it has been classified as a Variant of Uncertain Significance.

Literature cited by the submitters: PubMed 11527933.

NM_006269.2(RP1):c.3215A>G (p.Asp1072Gly)

Gene: RP1 (RP1 axonemal microtubule associated; plus strand). Cytogenetic location: 8q12.1.
Variant type: single nucleotide variant.
Coding change: c.3215A>G on transcript NM_006269.2 (MANE Select); coding-DNA position 3215, A replaced by G.
Protein change: p.Asp1072Gly; replaces aspartic acid 1072 with glycine.
Molecular consequence: missense variant. On other transcripts: intron variant (1).
Genome position (GRCh38, 1-based): chr8:54,627,097, A>G. VCF-style: chr8-54627097-A-G. GRCh37 (hg19) VCF-style: chr8-55539657-A-G.
Other names: c.787+4809A>G (NM_001375654.1); short protein forms D1072G.
Identifiers: ClinVar variation 3007888 (VCV003007888.3), dbSNP rs756775228, ClinGen allele CA4751659.